The following is an entry in ClinVar:

ClinVar aggregate classification (germline): Uncertain significance. Review status: criteria provided, multiple submitters, no conflicts (2 of 4 stars). 4 submissions from 4 submitters: Uncertain significance (4). Last evaluated 2025-07-31.

Conditions:
Hereditary cancer-predisposing syndrome. Also called: Neoplastic Syndromes, Hereditary; Tumor predisposition; Hereditary Cancer Syndrome; Hereditary neoplastic syndrome. Identifiers: Orphanet 140162, MedGen C0027672, MeSH D009386, MONDO:0015356.
Oligodontia-cancer predisposition syndrome. Also called: TOOTH AGENESIS-COLORECTAL CANCER SYNDROME. Identifiers: Orphanet 300576, MedGen C1837750, MONDO:0012075, OMIM 608615. Disease mechanism: loss of function.

Allele frequency attached by ClinVar (database versions not stated): gnomAD exomes below 0.00001; ExAC 0.00001.
gnomAD v4.1: 3 of 1,612,518 alleles (0.00019%); highest among the groups gnomAD compares: Admixed American, 0.0033%; no homozygotes.

Submissions (4):

Labcorp Genetics (formerly Invitae), Labcorp
Classification: Uncertain significance for Oligodontia-cancer predisposition syndrome. Last evaluated: 2025-07-31. Review status: criteria provided, single submitter. Criteria: Invitae Variant Classification Sherloc (09022015). Collection method: clinical testing. Allele origin: germline.
Comment: This sequence change replaces methionine, which is neutral and non-polar, with valine, which is neutral and non-polar, at codon 312 of the AXIN2 protein (p.Met312Val). This variant is present in population databases (rs749646558, gnomAD 0.006%). This variant has not been reported in the literature in individuals affected with AXIN2-related conditions. ClinVar contains an entry for this variant (Variation ID: 464648). Invitae Evidence Modeling of protein sequence and biophysical properties (such as structural, functional, and spatial information, amino acid conservation, physicochemical variation, residue mobility, and thermodynamic stability) indicates that this missense variant is not expected to disrupt AXIN2 protein function with a negative predictive value of 80%. In summary, the available evidence is currently insufficient to determine the role of this variant in disease. Therefore, it has been classified as a Variant of Uncertain Significance.

Ambry Genetics
Classification: Uncertain significance for Hereditary cancer-predisposing syndrome. Last evaluated: 2025-04-13. Review status: criteria provided, single submitter. Criteria: Ambry Variant Classification Scheme 2023. Collection method: clinical testing. Allele origin: germline.
Comment: The p.M312V variant (also known as c.934A>G), located in coding exon 2 of the AXIN2 gene, results from an A to G substitution at nucleotide position 934. The methionine at codon 312 is replaced by valine, an amino acid with highly similar properties. This amino acid position is highly conserved in available vertebrate species. In addition, this alteration is predicted to be tolerated by in silico analysis. Since supporting evidence is limited at this time, the clinical significance of this alteration remains unclear.

St. Jude Molecular Pathology, St. Jude Children's Research Hospital
Classification: Uncertain significance for Oligodontia-cancer predisposition syndrome. Last evaluated: 2024-03-22. Review status: criteria provided, single submitter. Criteria: St. Jude Assertion Criteria 2020. Collection method: clinical testing. Allele origin: germline.
Comment: The AXIN2 c.934A>G (p.Met312Val) missense change has a maximum subpopulation frequency of 0.003% in gnomAD v2.1.1. The in silico tool REVEL is inconclusive about a pathogenic or benign effect of this variant on protein function, and to our knowledge functional studies have not been performed. To our knowledge, this variant has not been reported in the literature in individuals with oligodontia-cancer predisposition syndrome. In summary, the evidence currently available is insufficient to determine the clinical significance of this variant. It has therefore been classified as of uncertain significance.

Quest Diagnostics Nichols Institute San Juan Capistrano
Classification: Uncertain significance. Last evaluated: 2023-01-19. Review status: criteria provided, single submitter. Criteria: Quest Diagnostics criteria. Collection method: clinical testing. Allele origin: unknown.
Comment: To the best of our knowledge, the variant has not been reported in the published literature. The frequency of this variant in the general population, 0.000004 (1/247778 chromosomes), is uninformative in assessment of its pathogenicity. Analysis of this variant using bioinformatics tools for the prediction of the effect of amino acid changes on protein structure and function yielded predictions that this variant is benign. Based on the available information, we are unable to determine the clinical significance of this variant.

NM_004655.4(AXIN2):c.934A>G (p.Met312Val)

Gene: AXIN2 (axin 2; minus strand). Cytogenetic location: 17q24.1.
Variant type: single nucleotide variant.
Coding change: c.934A>G on transcript NM_004655.4 (MANE Select); coding-DNA position 934, A replaced by G.
Protein change: p.Met312Val; replaces methionine 312 with valine.
Molecular consequence: missense variant.
Genome position (GRCh38, 1-based): chr17:65,549,542, T>C on the plus strand (A>G on the coding strand, the complement: AXIN2 is on the minus strand). VCF-style: chr17-65549542-T-C. GRCh37 (hg19) VCF-style: chr17-63545660-T-C.
Other names: c.934A>G, p.Met312Val (NM_001363813.1); c.934A>G (LRG_296t1); short protein forms M312V.
Identifiers: ClinVar variation 464648 (VCV000464648.13), dbSNP rs749646558, ClinGen allele CA8718940.